The following is an entry in ClinVar:

ClinVar aggregate classification (germline): Benign. Review status: criteria provided, single submitter (1 of 4 stars). 2 submissions from 2 submitters: Benign (1). 1 of the submissions does not count toward it. Last evaluated 2026-01-19.

Conditions:
SRD5A2-related disorder. Also called: SRD5A2-related condition.
3-Oxo-5 alpha-steroid delta 4-dehydrogenase deficiency (PPSH). Also called: 46,XY disorder of sex development due to 5-alpha-reductase 2 deficiency; PSEUDOVAGINAL PERINEOSCROTAL HYPOSPADIAS; FAMILIAL INCOMPLETE MALE PSEUDOHERMAPHRODITISM, TYPE 2; MALE PSEUDOHERMAPHRODITISM DUE TO 5-ALPHA-REDUCTASE DEFICIENCY. Identifiers: Orphanet 753, MedGen C0268297, MONDO:0009923, OMIM 264600. Disease mechanism: loss of function.

Allele frequency attached by ClinVar (database versions not stated): gnomAD exomes 0.00012 and 0.00032; ExAC 0.00017; gnomAD 0.00017 and 0.00022; TOPMed 0.00024.
gnomAD v4.1: 204 of 1,551,734 alleles (0.013%); highest among the groups gnomAD compares: East Asian, 0.36%; 3 homozygotes.

Submissions (2):

Labcorp Genetics (formerly Invitae), Labcorp
Classification: Benign for 3-Oxo-5 alpha-steroid delta 4-dehydrogenase deficiency. Last evaluated: 2026-01-19. Review status: criteria provided, single submitter. Criteria: Invitae Variant Classification Sherloc (09022015). Collection method: clinical testing. Allele origin: germline.

PreventionGenetics, part of Exact Sciences
Classification: Likely benign for SRD5A2-related condition. Last evaluated: 2023-02-01. Review status: no assertion criteria provided. Collection method: clinical testing. Allele origin: germline. Not counted in ClinVar's aggregate classification.
Comment: This variant is classified as likely benign based on ACMG/AMP sequence variant interpretation guidelines (Richards et al. 2015 PMID: 25741868, with internal and published modifications).

NM_000348.4(SRD5A2):c.441C>T (p.Ser147=)

Gene: SRD5A2 (steroid 5 alpha-reductase 2; minus strand). Cytogenetic location: 2p23.1.
Variant type: single nucleotide variant.
Coding change: c.441C>T on transcript NM_000348.4 (MANE Select); coding-DNA position 441, C replaced by T.
Protein change: p.Ser147=; no amino-acid change (serine 147 retained).
Molecular consequence: synonymous variant.
Genome position (GRCh38, 1-based): chr2:31,533,607, G>A on the plus strand (C>T on the coding strand, the complement: SRD5A2 is on the minus strand). VCF-style: chr2-31533607-G-A. GRCh37 (hg19) VCF-style: chr2-31758677-G-A.
Other names: c.441C>T (NM_000348.3).
Identifiers: ClinVar variation 1168548 (VCV001168548.11), dbSNP rs201018300, ClinGen allele CA1599941.